The following is an entry in ClinVar:

NM_005144.5(HR):c.3470C>G (p.Pro1157Arg)

Gene: HR (HR lysine demethylase and nuclear receptor corepressor; minus strand). Cytogenetic location: 8p21.3.
Variant type: single nucleotide variant.
Coding change: c.3470C>G on transcript NM_005144.5 (MANE Select); coding-DNA position 3470, C replaced by G.
Protein change: p.Pro1157Arg; replaces proline 1157 with arginine.
Molecular consequence: missense variant.
Genome position (GRCh38, 1-based): chr8:22,116,337, G>C on the plus strand (C>G on the coding strand, the complement: HR is on the minus strand). VCF-style: chr8-22116337-G-C. GRCh37 (hg19) VCF-style: chr8-21973850-G-C.
Other names: c.3305C>G, p.Pro1102Arg (NM_018411.4); short protein forms P1157R, P1102R.
Identifiers: ClinVar variation 362475 (VCV000362475.13), dbSNP rs201030061, ClinGen allele CA4661767.
Genomic context (GRCh38, chr8:22,116,337, plus strand): 5'-CTGCTGGCCCACATCCCACTCACCTGGGCATAAAGCAGGTGGCAGTCAGGGGGAAGGCTG[G>C]GTCCCTGGTGGCAGAGCTGAGCAGAGAGGGCAGAGGTCTCAGGGGAGAGGAAGTGCTGAG-3'
Protein context (NP_005135.2, residues 1147-1167): ALSAQLCHQG[Pro1157Arg]SLPPDCHLLY

ClinVar aggregate classification (germline): Benign/Likely benign. Review status: criteria provided, multiple submitters, no conflicts (2 of 4 stars). 4 submissions from 4 submitters: Benign (2); Likely benign (2). Last evaluated 2026-02-04.

Conditions:
Alopecia universalis congenita (ALUNC). Also called: ATRICHIA, GENERALIZED. Identifiers: Orphanet 701, MedGen C1859877, MONDO:0008757, OMIM 203655.
Intellectual disability, autosomal dominant 14 (CSS2). Also called: COFFIN-SIRIS SYNDROME 2. Identifiers: Orphanet 1465, MedGen C3553247, MONDO:0013819, OMIM 614607.

Allele frequency attached by ClinVar (database versions not stated): gnomAD 0.00014 and 0.00237; TOPMed 0.00046; ExAC 0.00977; 1000 Genomes Project 0.01538; 1000 Genomes Project 30x 0.01546.
gnomAD v4.1: 6,638 of 1,612,822 alleles (0.41%); highest among the groups gnomAD compares: South Asian, 6.9%; 261 homozygotes.

Submissions (4):

Labcorp Genetics (formerly Invitae), Labcorp
Classification: Benign. Last evaluated: 2026-02-04. Review status: criteria provided, single submitter. Criteria: Invitae Variant Classification Sherloc (09022015). Collection method: clinical testing. Allele origin: germline.

Illumina Laboratory Services, Illumina
Classification: Likely benign for Alopecia universalis congenita. Last evaluated: 2017-04-27. Review status: criteria provided, single submitter. Criteria: ICSL Variant Classification Criteria 13 December 2019. Collection method: clinical testing. Allele origin: germline.
Comment: This variant was observed as part of a predisposition screen in an ostensibly healthy population. A literature search was performed for the gene, cDNA change, and amino acid change (where applicable). No publications were found based on this search. Allele frequency data from public databases allowed determination this variant is unlikely to cause disease. Therefore, this variant is classified as likely benign.

Breakthrough Genomics
Classification: Likely benign. Review status: criteria provided, single submitter. Criteria: ACMG Guidelines, 2015. Collection method: not provided. Allele origin: germline. Inheritance: Autosomal recessive inheritance. Affected: yes.

Broad Center for Mendelian Genomics, Broad Institute of MIT and Harvard
Classification: Benign for Intellectual disability, autosomal dominant 14. Review status: criteria provided, single submitter. Criteria: ACMG Guidelines, 2015. Collection method: research. Allele origin: germline. Inheritance: Autosomal recessive inheritance. Affected: yes.
Comment: The homozygous p.Pro1157Arg variant in HR has been identified in at least 2 individuals with atrichia with papular lesions (PMID: 21919222), but has also been identified in >6% of South Asian chromosomes and 52 homozygotes by ExAC. In summary, this variant meets criteria to be classified as benign for atrichia with papular lesions.

Literature cited by the submitters: PubMed 21919222 (cited by Broad Center for Mendelian Genomics, Broad Institute of MIT and Harvard).